The following is an entry in ClinVar:

ClinVar aggregate classification (germline): Benign (1 of 4 stars; one submission).

Conditions:
Lynch syndrome 4 (LYNCH4). Also called: Colorectal cancer, hereditary nonpolyposis, type 4; Hereditary non-polyposis colorectal cancer, type 4. Identifiers: Orphanet 144, MedGen C1838333, MONDO:0013699, OMIM 614337. Disease mechanism: loss of function.

gnomAD v4.1: 1 of 1,434,148 alleles (0.00007%); highest among the groups gnomAD compares: Non-Finnish European, 0.000098%; no homozygotes.

Submission:

Myriad Genetics, Inc.
Classification: Benign for Lynch syndrome 4. Last evaluated: 2025-01-28. Review status: criteria provided, single submitter. Criteria: Myriad Autosomal Dominant, Autosomal Recessive and X-Linked Classification Criteria (2023). Collection method: clinical testing. Allele origin: unknown.
Comment: This variant is considered benign. This variant is intronic and is not expected to impact mRNA splicing.

NM_000535.7(PMS2):c.804-32A>T

Gene: PMS2 (PMS1 homolog 2, mismatch repair system component; minus strand). Cytogenetic location: 7p22.1.
Variant type: single nucleotide variant.
Coding change: c.804-32A>T on transcript NM_000535.7 (MANE Select); 32 bases into the intron before coding-DNA position 804, A replaced by T.
Molecular consequence: intron variant.
Genome position (GRCh38, 1-based): chr7:5,995,665, T>A on the plus strand (A>T on the coding strand, the complement: PMS2 is on the minus strand). VCF-style: chr7-5995665-T-A. GRCh37 (hg19) VCF-style: chr7-6035296-T-A.
Other names: c.486-32A>T (NM_001322008.2, NM_001406902.1, NM_001406883.1 and 4 more transcripts); c.495-32A>T (NM_001406881.1, NM_001406879.1, NM_001322015.2 and 6 more transcripts); c.399-32A>T (NM_001406895.1, NM_001322010.2, NM_001322004.2 and 19 more transcripts); c.133-3608A>T (NM_001406911.1); c.291-32A>T (NM_001406904.1, NM_001406905.1); c.231-32A>T (NM_001322013.2, NM_001406909.1); c.-130-32A>T (NM_001322012.2, NM_001322011.2); c.468-32A>T (NM_001406885.1); and 8 more.
Identifiers: ClinVar variation 3904536 (VCV003904536.1).